The following is an entry in ClinVar:

ClinVar aggregate classification (germline): Uncertain significance (1 of 4 stars; one submission).

gnomAD v4.1: 7 of 1,614,088 alleles (0.00043%); highest among the groups gnomAD compares: South Asian, 0.0011%; no homozygotes.

Submission:

Labcorp Genetics (formerly Invitae), Labcorp
Classification: Uncertain significance. Last evaluated: 2025-07-10. Review status: criteria provided, single submitter. Criteria: Invitae Variant Classification Sherloc (09022015). Collection method: clinical testing. Allele origin: germline.
Comment: This sequence change replaces arginine, which is basic and polar, with tryptophan, which is neutral and slightly polar, at codon 13 of the IRF9 protein (p.Arg13Trp). This variant is present in population databases (no rsID available, gnomAD 0.003%). This variant has not been reported in the literature in individuals affected with IRF9-related conditions. An algorithm developed to predict the effect of missense changes on protein structure and function (PolyPhen-2) suggests that this variant is likely to be disruptive. In summary, the available evidence is currently insufficient to determine the role of this variant in disease. Therefore, it has been classified as a Variant of Uncertain Significance.

NM_006084.5(IRF9):c.37C>T (p.Arg13Trp)

Gene: IRF9 (interferon regulatory factor 9; plus strand). Cytogenetic location: 14q12.
Variant type: single nucleotide variant.
Coding change: c.37C>T on transcript NM_006084.5 (MANE Select); coding-DNA position 37, C replaced by T.
Protein change: p.Arg13Trp; replaces arginine 13 with tryptophan.
Molecular consequence: missense variant.
Genome position (GRCh38, 1-based): chr14:24,162,181, C>T. VCF-style: chr14-24162181-C-T. GRCh37 (hg19) VCF-style: chr14-24631390-C-T.
Other names: c.37C>T, p.Arg13Trp (NM_001385400.1, NM_001385401.1, NM_001385402.1); short protein forms R13W.
Identifiers: ClinVar variation 4765977 (VCV004765977.1).